The following is an entry in ClinVar:

NM_000545.8(HNF1A):c.706T>G (p.Cys236Gly)

Gene: HNF1A (HNF1 homeobox A; plus strand). Cytogenetic location: 12q24.31.
Variant type: single nucleotide variant.
Coding change: c.706T>G on transcript NM_000545.8 (MANE Select); coding-DNA position 706, T replaced by G.
Protein change: p.Cys236Gly; replaces cysteine 236 with glycine.
Molecular consequence: missense variant.
Genome position (GRCh38, 1-based): chr12:120,993,699, T>G. VCF-style: chr12-120993699-T-G. GRCh37 (hg19) VCF-style: chr12-121431502-T-G.
Other names: c.706T>G, p.Cys236Gly (NM_001306179.2, NM_001406915.1); short protein forms C236G.
Identifiers: ClinVar variation 1715313 (VCV001715313.5), dbSNP rs2135839962, ClinGen allele CA386965400.

ClinVar aggregate classification (germline): Uncertain significance (1 of 4 stars; one submission).

Submission:

Labcorp Genetics (formerly Invitae), Labcorp
Classification: Uncertain significance. Last evaluated: 2025-02-17. Review status: criteria provided, single submitter. Criteria: Invitae Variant Classification Sherloc (09022015). Collection method: clinical testing. Allele origin: germline.
Comment: This sequence change replaces cysteine, which is neutral and slightly polar, with glycine, which is neutral and non-polar, at codon 236 of the HNF1A protein (p.Cys236Gly). This variant is not present in population databases (gnomAD no frequency). This variant has not been reported in the literature in individuals affected with HNF1A-related conditions. ClinVar contains an entry for this variant (Variation ID: 1715313). Invitae Evidence Modeling of protein sequence and biophysical properties (such as structural, functional, and spatial information, amino acid conservation, physicochemical variation, residue mobility, and thermodynamic stability) has been performed for this missense variant. However, the output from this modeling did not meet the statistical confidence thresholds required to predict the impact of this variant on HNF1A protein function. In summary, the available evidence is currently insufficient to determine the role of this variant in disease. Therefore, it has been classified as a Variant of Uncertain Significance.